The following is an entry in ClinVar:

ClinVar aggregate classification (germline): Uncertain significance (1 of 4 stars; one submission).

Allele frequency attached by ClinVar (database versions not stated): gnomAD exomes below 0.00001.

Submission:

Labcorp Genetics (formerly Invitae), Labcorp
Classification: Uncertain significance. Last evaluated: 2023-05-18. Review status: criteria provided, single submitter. Criteria: Invitae Variant Classification Sherloc (09022015). Collection method: clinical testing. Allele origin: germline.
Comment: This sequence change falls in intron 2 of the RP9 gene. It does not directly change the encoded amino acid sequence of the RP9 protein. It affects a nucleotide within the consensus splice site. This variant is not present in population databases (gnomAD no frequency). This variant has not been reported in the literature in individuals affected with RP9-related conditions. Variants that disrupt the consensus splice site are a relatively common cause of aberrant splicing (PMID: 17576681, 9536098). Algorithms developed to predict the effect of sequence changes on RNA splicing suggest that this variant is not likely to affect RNA splicing. In summary, the available evidence is currently insufficient to determine the role of this variant in disease. Therefore, it has been classified as a Variant of Uncertain Significance.

Literature cited by the submitters: PubMed 17576681; PubMed 9536098.

NM_203288.2(RP9):c.184-3T>C

Gene: RP9 (RP9 pre-mRNA splicing factor; minus strand). Cytogenetic location: 7p14.3.
Variant type: single nucleotide variant.
Coding change: c.184-3T>C on transcript NM_203288.2 (MANE Select); 3 bases into the intron before coding-DNA position 184, T replaced by C.
Molecular consequence: intron variant.
Genome position (GRCh38, 1-based): chr7:33,099,439, A>G on the plus strand (T>C on the coding strand, the complement: RP9 is on the minus strand). VCF-style: chr7-33099439-A-G. GRCh37 (hg19) VCF-style: chr7-33139051-A-G.
Identifiers: ClinVar variation 2865452 (VCV002865452.3), dbSNP rs1788394387, ClinGen allele CA2682312373.
Genomic context (GRCh38, chr7:33,099,439, plus strand): 5'-TGGCGTGTTCATTGCCTGGTACATCTGGTATGCAATCTTCTGGCTTAGTCTCATCTTCCT[A>G]AAAAAGGGAACAGGTATAAACAGCATGGCAAGAGCGCTGGGATTCTCTCCTGCTCCCCTT-3'